The following is an entry in ClinVar:

ClinVar aggregate classification (germline): Pathogenic/Likely pathogenic. Review status: criteria provided, multiple submitters, no conflicts (2 of 4 stars). 3 submissions from 3 submitters: Pathogenic (2); Likely pathogenic (1). Last evaluated 2023-11-14.

Conditions:
Familial cancer of breast. Also called: Hereditary breast cancer; hereditary breast carcinoma; BREAST CANCER, FAMILIAL. Identifiers: Orphanet 227535, MedGen C0346153, MONDO:0016419, OMIM 114480. Disease mechanism: loss of function.
Hereditary cancer-predisposing syndrome. Also called: Hereditary neoplastic syndrome; Tumor predisposition; Hereditary Cancer Syndrome; Neoplastic Syndromes, Hereditary. Identifiers: Orphanet 140162, MedGen C0027672, MeSH D009386, MONDO:0015356.

Submissions (3):

Labcorp Genetics (formerly Invitae), Labcorp
Classification: Pathogenic for Familial cancer of breast. Last evaluated: 2023-11-14. Review status: criteria provided, single submitter. Criteria: Invitae Variant Classification Sherloc (09022015). Collection method: clinical testing. Allele origin: germline.
Comment: This sequence change creates a premature translational stop signal (p.Lys480Thrfs*6) in the PALB2 gene. It is expected to result in an absent or disrupted protein product. Loss-of-function variants in PALB2 are known to be pathogenic (PMID: 17200668, 17200671, 17200672, 24136930, 25099575). This variant is not present in population databases (gnomAD no frequency). This variant has not been reported in the literature in individuals affected with PALB2-related conditions. ClinVar contains an entry for this variant (Variation ID: 492162). For these reasons, this variant has been classified as Pathogenic.

Color Diagnostics, LLC DBA Color Health
Classification: Pathogenic for Hereditary cancer-predisposing syndrome. Last evaluated: 2022-03-14. Review status: criteria provided, single submitter. Criteria: ACMG Guidelines, 2015. Collection method: clinical testing. Allele origin: germline.
Comment: This variant deletes 2 nucleotides in exon 4 of the PALB2 gene, creating a frameshift and premature translation stop signal. This variant is expected to result in an absent or non-functional protein product. To our knowledge, this variant has not been reported in individuals affected with hereditary cancer in the literature. This variant has not been identified in the general population by the Genome Aggregation Database (gnomAD). Loss of PALB2 function is a known mechanism of disease. Based on the available evidence, this variant is classified as Pathogenic.

Baylor Genetics
Classification: Likely pathogenic for Familial cancer of breast. Last evaluated: 2021-10-17. Review status: criteria provided, single submitter. Criteria: ACMG Guidelines, 2015. Collection method: clinical testing. Allele origin: unknown.

Literature cited by the submitters: PubMed 17200668 (cited by Labcorp Genetics (formerly Invitae), Labcorp); PubMed 17200671 (cited by Labcorp Genetics (formerly Invitae), Labcorp); PubMed 17200672 (cited by Labcorp Genetics (formerly Invitae), Labcorp); PubMed 24136930 (cited by Labcorp Genetics (formerly Invitae), Labcorp); PubMed 25099575 (cited by Labcorp Genetics (formerly Invitae), Labcorp).

NM_024675.4(PALB2):c.1437_1438del (p.Lys480fs)

Gene: PALB2 (partner and localizer of BRCA2; minus strand). Cytogenetic location: 16p12.2.
Variant type: Deletion.
Coding change: c.1437_1438del on transcript NM_024675.4 (MANE Select); coding-DNA positions 1437 to 1438, 2 bases deleted (GA; older notation c.1437_1438delGA).
Protein change: p.Lys480fs; shifts the reading frame from lysine 480.
Molecular consequence: frameshift variant.
Genome position (GRCh38, 1-based): chr16:23,635,108-23,635,109, TC deleted on the plus strand (GA on the coding strand, the reverse complement: PALB2 is on the minus strand); deleting any 2 consecutive bases within chr16:23,635,108-23,635,110 gives the same sequence; the c. name uses the placement nearest the transcript's 3' end. VCF-style (leftmost placement, unchanged base first): chr16-23635107-TTC-T. GRCh37 (hg19) VCF-style: chr16-23646428-TTC-T.
Other names: c.1437_1438delGA (NM_024675.3); short protein forms K480fs.
Identifiers: ClinVar variation 492162 (VCV000492162.11), dbSNP rs1555461280, ClinGen allele CA658683910.